The following is an entry in ClinVar:

Conditions:
Arteriohepatic dysplasia. Also called: Alagille Syndrome. Identifiers: Orphanet 52, MedGen C0085280, MeSH D016738, MONDO:0007318.

Submission:

Gilbert/Spinner Lab, Children's Hospital of Philadelphia
No classification provided (evidence only). Condition: Alagille syndrome. Review status: no classification provided. Collection method: research. Allele origin: not applicable. Functional consequence: functionally_abnormal.
ClinVar note: "not provided" was previously submitted as the classification for the variant. However, the classification appeared to be based only on an observation of functional data so it was converted to no classification on 2025-07-30.

NM_000214.3(JAG1):c.898T>G (p.Cys300Gly)

Gene: JAG1 (jagged canonical Notch ligand 1; minus strand). Cytogenetic location: 20p12.2.
Variant type: single nucleotide variant.
Coding change: c.898T>G on transcript NM_000214.3 (MANE Select); coding-DNA position 898, T replaced by G.
Protein change: p.Cys300Gly; replaces cysteine 300 with glycine.
Molecular consequence: missense variant.
Genome position (GRCh38, 1-based): chr20:10,652,239, A>C on the plus strand (T>G on the coding strand, the complement: JAG1 is on the minus strand). VCF-style: chr20-10652239-A-C. GRCh37 (hg19) VCF-style: chr20-10632887-A-C.
Other names: short protein forms C300G.
Identifiers: ClinVar variation 3573173 (VCV003573173.2).